The following is an entry in ClinVar:

NM_015512.5(DNAH1):c.1084C>T (p.Leu362Phe)

Gene: DNAH1 (dynein axonemal heavy chain 1; plus strand). Cytogenetic location: 3p21.1.
Variant type: single nucleotide variant.
Coding change: c.1084C>T on transcript NM_015512.5 (MANE Select); coding-DNA position 1084, C replaced by T.
Protein change: p.Leu362Phe; replaces leucine 362 with phenylalanine.
Molecular consequence: missense variant.
Genome position (GRCh38, 1-based): chr3:52,332,192, C>T. VCF-style: chr3-52332192-C-T. GRCh37 (hg19) VCF-style: chr3-52366208-C-T.
Other names: short protein forms L362F.
Identifiers: ClinVar variation 544603 (VCV000544603.9), dbSNP rs200067536, ClinGen allele CA2432866.

ClinVar aggregate classification (germline): Conflicting classifications of pathogenicity. Review status: criteria provided, conflicting classifications (1 of 4 stars). 3 submissions from 3 submitters: Uncertain significance (2); Likely benign (1). Last evaluated 2026-09-01.

Conditions:
Spermatogenic failure 18. Identifiers: MedGen C4539783, MONDO:0054615, OMIM 617576.
Ciliary dyskinesia, primary, 37 (CILD37). Also called: CILIARY DYSKINESIA, PRIMARY, 37, WITH OR WITHOUT SITUS INVERSUS. Identifiers: MedGen C4539798, MONDO:0033204, OMIM 617577.

Allele frequency attached by ClinVar (database versions not stated): gnomAD exomes 0.00004 and 0.00009; ExAC 0.00017; ESP Exome Variant Server 0.00048; gnomAD 0.00071 and 0.00077; TOPMed 0.00083.
gnomAD v4.1: 176 of 1,599,966 alleles (0.011%); highest among the groups gnomAD compares: African/African-American, 0.17%; 2 homozygotes.

Submissions (3):

CeGaT Center for Human Genetics Tuebingen
Classification: Likely benign. Last evaluated: 2026-09-01. Review status: criteria provided, single submitter. Criteria: CeGaT Center For Human Genetics Tuebingen Variant Classification Criteria Version 2. Collection method: clinical testing. Allele origin: germline. Affected: yes. Observed: 1 variant allele.
Comment: DNAH1: BP4

Johns Hopkins Genomics, Johns Hopkins University
Classification: Uncertain significance for Ciliary dyskinesia, primary, 37. Last evaluated: 2024-07-14. Review status: criteria provided, single submitter. Criteria: ACMG Guidelines, 2015. Collection method: clinical testing. Allele origin: germline.
Comment: This DNAH1 missense variant (rs200067536) is rare (<0.1%) in a large population dataset (gnomAD v4.1.0: 176/1599966 total alleles; 0.01%; 2 homozygotes). It has been reported in ClinVar (Variation ID 544603), but has not been reported in the literature, to our knowledge. Of two bioinformatics tools queried, one predicts that the substitution would be damaging, while the other predicts that it would be tolerated., and the leucine residue at this position is evolutionarily conserved across many of the species assessed. We consider the clinical significance of c.1084C>T in DNAH1 to be uncertain at this time.

Labcorp Genetics (formerly Invitae), Labcorp
Classification: Uncertain significance for Ciliary dyskinesia, primary, 37; Spermatogenic failure 18. Last evaluated: 2023-12-18. Review status: criteria provided, single submitter. Criteria: Invitae Variant Classification Sherloc (09022015). Collection method: clinical testing. Allele origin: germline.
Comment: This sequence change replaces leucine, which is neutral and non-polar, with phenylalanine, which is neutral and non-polar, at codon 362 of the DNAH1 protein (p.Leu362Phe). This variant is present in population databases (rs200067536, gnomAD 0.1%). This variant has not been reported in the literature in individuals affected with DNAH1-related conditions. ClinVar contains an entry for this variant (Variation ID: 544603). An algorithm developed to predict the effect of missense changes on protein structure and function (PolyPhen-2) suggests that this variant is likely to be disruptive. In summary, the available evidence is currently insufficient to determine the role of this variant in disease. Therefore, it has been classified as a Variant of Uncertain Significance.

Literature cited by the submitters: PubMed 30544445 (cited by Johns Hopkins Genomics, Johns Hopkins University).